The following is an entry in ClinVar:

NM_015295.3(SMCHD1):c.5572A>G (p.Thr1858Ala)

Gene: SMCHD1 (structural maintenance of chromosomes flexible hinge domain containing 1; plus strand). Cytogenetic location: 18p11.32.
Variant type: single nucleotide variant.
Coding change: c.5572A>G on transcript NM_015295.3 (MANE Select); coding-DNA position 5572, A replaced by G.
Protein change: p.Thr1858Ala; replaces threonine 1858 with alanine.
Molecular consequence: missense variant.
Genome position (GRCh38, 1-based): chr18:2,784,474, A>G. VCF-style: chr18-2784474-A-G. GRCh37 (hg19) VCF-style: chr18-2784472-A-G.
Other names: short protein forms T1858A.
Identifiers: ClinVar variation 2431390 (VCV002431390.2), dbSNP rs2076208570, ClinGen allele CA401688321.

ClinVar aggregate classification (germline): Uncertain significance (1 of 4 stars; one submission).

Conditions:
Arrhinia with choanal atresia and microphthalmia syndrome. Also called: ARHINIA, CHOANAL ATRESIA, MICROPHTHALMIA, AND HYPOGONADOTROPIC HYPOGONADISM; Arhinia, choanal atresia, and microphthalmia; Arrhinia-choanal atresia-microphthalmia syndrome. Identifiers: Orphanet 1135, Orphanet 2250, MedGen C1863878, MONDO:0011323, OMIM 603457.

Allele frequency attached by ClinVar (database versions not stated): TOPMed below 0.00001.

Submission:

Laboratorio de Genetica e Diagnostico Molecular, Hospital Israelita Albert Einstein
Classification: Uncertain significance for Arrhinia with choanal atresia and microphthalmia syndrome. Last evaluated: 2022-09-14. Review status: criteria provided, single submitter. Criteria: ACMG Guidelines, 2015. Collection method: clinical testing. Allele origin: germline. Affected: yes.
Comment: ACMG classification criteria: PM2 moderated, PP2 supporting, PP3 supporting